The following is an entry in ClinVar:

ClinVar aggregate classification (germline): Uncertain significance. Review status: criteria provided, multiple submitters, no conflicts (2 of 4 stars). 3 submissions from 3 submitters: Uncertain significance (2). 1 of the submissions does not count toward it. Last evaluated 2025-09-05.

Conditions:
Costello syndrome (CSTLO). Also called: HRAS-Related Costello Syndrome; FCS SYNDROME; FACIOCUTANEOSKELETAL SYNDROME. Identifiers: Orphanet 3071, MedGen C0587248, MONDO:0009026, OMIM 218040.
Cardiovascular phenotype. Identifiers: MedGen CN230736.
Noonan syndrome (NS). Also called: Noonan's syndrome. Identifiers: Orphanet 648, MedGen C0028326, MeSH D009634, MONDO:0018997. Disease mechanism: gain of function.

gnomAD v4.1: 1 of 1,613,164 alleles (0.000062%); no homozygotes.

Submissions (3):

Ambry Genetics
Classification: Uncertain significance for Cardiovascular phenotype. Last evaluated: 2025-09-05. Review status: criteria provided, single submitter. Criteria: Ambry Variant Classification Scheme 2023. Collection method: clinical testing. Allele origin: germline.

Labcorp Genetics (formerly Invitae), Labcorp
Classification: Uncertain significance for Costello syndrome. Last evaluated: 2022-10-03. Review status: criteria provided, single submitter. Criteria: Invitae Variant Classification Sherloc (09022015). Collection method: clinical testing. Allele origin: germline.
Comment: This sequence change replaces proline, which is neutral and non-polar, with alanine, which is neutral and non-polar, at codon 174 of the HRAS protein (p.Pro174Ala). This variant is not present in population databases (gnomAD no frequency). This variant has not been reported in the literature in individuals affected with HRAS-related conditions. ClinVar contains an entry for this variant (Variation ID: 643338). Advanced modeling of experimental studies (such as gene expression, population dynamics, functional pathways, and cell-cycle effects in cell culture) performed at Invitae indicates that this missense variant is not expected to disrupt HRAS protein function. In summary, the available evidence is currently insufficient to determine the role of this variant in disease. Therefore, it has been classified as a Variant of Uncertain Significance.

Service de Génétique Moléculaire, Hôpital Robert Debré
Classification: Uncertain significance for Noonan syndrome. Review status: no assertion criteria provided. Collection method: clinical testing. Allele origin: unknown. Affected: yes. Not counted in ClinVar's aggregate classification.

NM_005343.4(HRAS):c.520C>G (p.Pro174Ala)

Genes: LRRC56 (leucine rich repeat containing 56; plus strand), HRAS (HRas proto-oncogene, GTPase; minus strand). Cytogenetic location: 11p15.5.
Variant type: single nucleotide variant.
Coding change: c.520C>G on transcript NM_005343.4 (MANE Select); coding-DNA position 520, C replaced by G.
Protein change: p.Pro174Ala; replaces proline 174 with alanine.
Molecular consequence: missense variant. On other transcripts: 3 prime UTR variant (1).
Genome position (GRCh38, 1-based): chr11:532,686, G>C on the plus strand (C>G on the coding strand, the complement: HRAS is on the minus strand). VCF-style: chr11-532686-G-C. GRCh37 (hg19) VCF-style: chr11-532686-G-C.
Other names: c.520C>G, p.Pro174Ala (NM_001130442.3); c.283C>G, p.Pro95Ala (NM_001318054.2); c.*89C>G (NM_176795.5); short protein forms P174A, P95A.
Identifiers: ClinVar variation 643338 (VCV000643338.11), dbSNP rs397517144, ClinGen allele CA378921060.